The following is an entry in ClinVar:

ClinVar aggregate classification (germline): Pathogenic/Likely pathogenic. Review status: criteria provided, multiple submitters, no conflicts (2 of 4 stars). 3 submissions from 3 submitters: Pathogenic (2); Likely pathogenic (1). Last evaluated 2022-03-15.

Conditions:
Neurofibromatosis, type 1 (NF1). Also called: VON RECKLINGHAUSEN DISEASE; Peripheral type neurofibromatosis; NEUROFIBROMATOSIS, TYPE I, SOMATIC; Neurofibromatosis, type I. Identifiers: Orphanet 636, MedGen C0027831, MONDO:0018975, OMIM 162200. Disease mechanism: loss of function.

Submissions (3):

Genome-Nilou Lab
Classification: Pathogenic for Neurofibromatosis, type 1. Last evaluated: 2022-03-15. Review status: criteria provided, single submitter. Criteria: ACMG Guidelines, 2015. Collection method: clinical testing. Allele origin: germline. Affected: no.

Greenwood Genetic Center Diagnostic Laboratories, Greenwood Genetic Center
Classification: Likely pathogenic. Last evaluated: 2021-01-12. Review status: criteria provided, single submitter. Criteria: ACMG Guidelines, 2015. Collection method: clinical testing. Allele origin: germline. Affected: yes.
Comment: PVS1, PM2

Labcorp Genetics (formerly Invitae), Labcorp
Classification: Pathogenic for Neurofibromatosis, type 1. Last evaluated: 2020-04-14. Review status: criteria provided, single submitter. Criteria: Invitae Variant Classification Sherloc (09022015). Collection method: clinical testing. Allele origin: germline.
Comment: This sequence change creates a premature translational stop signal (p.Arg2535Lysfs*21) in the NF1 gene. It is expected to result in an absent or disrupted protein product. This variant is not present in population databases (ExAC no frequency). This variant has not been reported in the literature in individuals with NF1-related conditions. Loss-of-function variants in NF1 are known to be pathogenic (PMID: 10712197, 23913538). For these reasons, this variant has been classified as Pathogenic.

Literature cited by the submitters: PubMed 10712197 (cited by Labcorp Genetics (formerly Invitae), Labcorp); PubMed 23913538 (cited by Labcorp Genetics (formerly Invitae), Labcorp).

NM_001042492.3(NF1):c.7666dup (p.Arg2556fs)

Gene: NF1 (neurofibromin 1; plus strand). Cytogenetic location: 17q11.2.
Variant type: Duplication.
Coding change: c.7666dup on transcript NM_001042492.3 (MANE Select); coding-DNA position 7666, one base duplicated (A; older notation c.7666dupA).
Protein change: p.Arg2556fs; shifts the reading frame from arginine 2556.
Molecular consequence: frameshift variant.
Genome position (GRCh38, 1-based): chr17:31,356,510, A duplicated; the last of 4 consecutive A bases (chr17:31,356,507-31,356,510); duplicating any one gives the same sequence. VCF-style (leftmost placement, unchanged base first): chr17-31356506-T-TA. GRCh37 (hg19) VCF-style: chr17-29683524-T-TA.
Other names: c.7603dup, p.Arg2535Lysfs (NM_000267.4); short protein forms R2535fs, R2556fs.
Identifiers: ClinVar variation 1076106 (VCV001076106.10), dbSNP rs2151581134, ClinGen allele CA645572277.